The following is an entry in ClinVar:

ClinVar aggregate classification (germline): Uncertain significance (1 of 4 stars; one submission).

Conditions:
Joubert syndrome. Also called: JOUBERT-BOLTSHAUSER SYNDROME; Familial aplasia of the vermis. Identifiers: Orphanet 475, MedGen C5979921, MONDO:0018772.
Meckel-Gruber syndrome. Also called: Dysencephalia splachnocystica; DYSENCEPHALIA SPLANCHNOCYSTICA; GRUBER SYNDROME. Identifiers: Orphanet 564, MedGen C0265215, MONDO:0018921.

Allele frequency attached by ClinVar (database versions not stated): gnomAD 0.00001; gnomAD exomes 0.00001; TOPMed 0.00001; ESP Exome Variant Server 0.00008.
gnomAD v4.1: 10 of 1,573,618 alleles (0.00064%); highest among the groups gnomAD compares: South Asian, 0.0012%; no homozygotes.

Submission:

Labcorp Genetics (formerly Invitae), Labcorp
Classification: Uncertain significance for Joubert syndrome; Meckel-Gruber syndrome. Last evaluated: 2022-07-13. Review status: criteria provided, single submitter. Criteria: Invitae Variant Classification Sherloc (09022015). Collection method: clinical testing. Allele origin: germline.
Comment: This sequence change replaces proline, which is neutral and non-polar, with serine, which is neutral and polar, at codon 320 of the CC2D2A protein (p.Pro320Ser). This variant is not present in population databases (gnomAD no frequency). This variant has not been reported in the literature in individuals affected with CC2D2A-related conditions. ClinVar contains an entry for this variant (Variation ID: 1025148). Algorithms developed to predict the effect of missense changes on protein structure and function are either unavailable or do not agree on the potential impact of this missense change (SIFT: "Tolerated"; PolyPhen-2: "Probably Damaging"; Align-GVGD: "Class C0"). In summary, the available evidence is currently insufficient to determine the role of this variant in disease. Therefore, it has been classified as a Variant of Uncertain Significance.

NM_001378615.1(CC2D2A):c.958C>T (p.Pro320Ser)

Genes: CC2D2A (coiled-coil and C2 domain containing 2A; plus strand), FBXL5 (F-box and leucine rich repeat protein 5; minus strand). Cytogenetic location: 4p15.32.
Variant type: single nucleotide variant.
Coding change: c.958C>T on transcript NM_001378615.1 (MANE Select); coding-DNA position 958, C replaced by T.
Protein change: p.Pro320Ser; replaces proline 320 with serine.
Molecular consequence: missense variant.
Genome position (GRCh38, 1-based): chr4:15,515,945, C>T. VCF-style: chr4-15515945-C-T. GRCh37 (hg19) VCF-style: chr4-15517568-C-T.
Other names: c.958C>T, p.Pro320Ser (NM_001080522.2); c.811C>T, p.Pro271Ser (NM_001378617.1); short protein forms P271S, P320S.
Identifiers: ClinVar variation 1025148 (VCV001025148.4), dbSNP rs374098727, ClinGen allele CA92512917.